The following is an entry in ClinVar:

NM_001364905.1(LRBA):c.8468+3A>G

Gene: LRBA (LPS responsive beige-like anchor protein; minus strand). Cytogenetic location: 4q31.3.
Variant type: single nucleotide variant.
Coding change: c.8468+3A>G on transcript NM_001364905.1 (MANE Select); 3 bases into the intron after coding-DNA position 8468, A replaced by G.
Molecular consequence: intron variant.
Genome position (GRCh38, 1-based): chr4:150,277,850, T>C on the plus strand (A>G on the coding strand, the complement: LRBA is on the minus strand). VCF-style: chr4-150277850-T-C. GRCh37 (hg19) VCF-style: chr4-151199002-T-C.
Other names: c.8483+3A>G (NM_001367550.1, NM_001440431.1); c.8501+3A>G (NM_006726.5); c.8465+3A>G (NM_001199282.3); c.8516+3A>G (NM_001440430.1); c.2186+3A>G (NM_001440432.1); c.2180+3A>G (NM_001440433.1).
Identifiers: ClinVar variation 1435591 (VCV001435591.6), dbSNP rs2126741721, ClinGen allele CA2573138080.

ClinVar aggregate classification (germline): Uncertain significance (1 of 4 stars; one submission).

Conditions:
Combined immunodeficiency due to LRBA deficiency. Also called: Common variable immunodeficiency 8, with autoimmunity. Identifiers: Orphanet 445018, MedGen C3553512, MONDO:0013863, OMIM 614700.

Allele frequency attached by ClinVar (database versions not stated): gnomAD exomes below 0.00001.
gnomAD v4.1: 1 of 1,613,820 alleles (0.000062%); highest among the groups gnomAD compares: Non-Finnish European, 0.000085%; no homozygotes.

Submission:

Labcorp Genetics (formerly Invitae), Labcorp
Classification: Uncertain significance for Combined immunodeficiency due to LRBA deficiency. Last evaluated: 2022-08-23. Review status: criteria provided, single submitter. Criteria: Invitae Variant Classification Sherloc (09022015). Collection method: clinical testing. Allele origin: germline.
Comment: In summary, the available evidence is currently insufficient to determine the role of this variant in disease. Therefore, it has been classified as a Variant of Uncertain Significance. Variants that disrupt the consensus splice site are a relatively common cause of aberrant splicing (PMID: 17576681, 9536098). Algorithms developed to predict the effect of sequence changes on RNA splicing suggest that this variant may disrupt the consensus splice site. ClinVar contains an entry for this variant (Variation ID: 1435591). This variant has not been reported in the literature in individuals affected with LRBA-related conditions. This variant is not present in population databases (gnomAD no frequency). This sequence change falls in intron 57 of the LRBA gene. It does not directly change the encoded amino acid sequence of the LRBA protein. It affects a nucleotide within the consensus splice site.

Literature cited by the submitters: PubMed 17576681; PubMed 9536098.